The following is an entry in ClinVar:

NM_005202.4(COL8A2):c.2036C>T (p.Ser679Leu)

Gene: COL8A2 (collagen type VIII alpha 2 chain; minus strand). Cytogenetic location: 1p34.3.
Variant type: single nucleotide variant.
Coding change: c.2036C>T on transcript NM_005202.4 (MANE Select); coding-DNA position 2036, C replaced by T.
Protein change: p.Ser679Leu; replaces serine 679 with leucine.
Molecular consequence: missense variant.
Genome position (GRCh38, 1-based): chr1:36,097,645, G>A on the plus strand (C>T on the coding strand, the complement: COL8A2 is on the minus strand). VCF-style: chr1-36097645-G-A. GRCh37 (hg19) VCF-style: chr1-36563246-G-A.
Other names: c.1841C>T, p.Ser614Leu (NM_001294347.2); short protein forms S614L, S679L.
Identifiers: ClinVar variation 3609946 (VCV003609946.2).

ClinVar aggregate classification (germline): Uncertain significance (1 of 4 stars; one submission).

gnomAD v4.1: 10 of 1,613,444 alleles (0.00062%); highest among the groups gnomAD compares: East Asian, 0.013%; no homozygotes.

Submission:

Labcorp Genetics (formerly Invitae), Labcorp
Classification: Uncertain significance. Last evaluated: 2025-01-15. Review status: criteria provided, single submitter. Criteria: Invitae Variant Classification Sherloc (09022015). Collection method: clinical testing. Allele origin: germline.
Comment: This sequence change replaces serine, which is neutral and polar, with leucine, which is neutral and non-polar, at codon 679 of the COL8A2 protein (p.Ser679Leu). This variant is present in population databases (rs759864363, gnomAD 0.02%). This variant has not been reported in the literature in individuals affected with COL8A2-related conditions. An algorithm developed to predict the effect of missense changes on protein structure and function (PolyPhen-2) suggests that this variant is likely to be disruptive. In summary, the available evidence is currently insufficient to determine the role of this variant in disease. Therefore, it has been classified as a Variant of Uncertain Significance.